The following is an entry in ClinVar:

ClinVar aggregate classification (germline): Benign/Likely benign. Review status: criteria provided, multiple submitters, no conflicts (2 of 4 stars). 5 submissions from 5 submitters: Benign (2); Likely benign (2). 1 of the submissions does not count toward it. Last evaluated 2025-12-06.

Conditions:
NOTCH2-related disorder. Also called: NOTCH2-related condition.
Hajdu-Cheney syndrome (HJCYS). Also called: Acroosteolysis dominant type; SERPENTINE FIBULA-POLYCYSTIC KIDNEY SYNDROME; ACROOSTEOLYSIS WITH OSTEOPOROSIS AND CHANGES IN SKULL AND MANDIBLE. Identifiers: Orphanet 955, MedGen C0917715, MONDO:0007057, OMIM 102500.

Allele frequency attached by ClinVar (database versions not stated): 1000 Genomes Project 30x 0.00016; ExAC 0.00019; 1000 Genomes Project 0.00020; TOPMed 0.00042; gnomAD 0.00044 and 0.00052; ESP Exome Variant Server 0.00069.
gnomAD v4.1: 134 of 1,613,910 alleles (0.0083%); highest among the groups gnomAD compares: African/African-American, 0.15%; no homozygotes.

Submissions (5):

Labcorp Genetics (formerly Invitae), Labcorp
Classification: Benign for Hajdu-Cheney syndrome. Last evaluated: 2025-12-06. Review status: criteria provided, single submitter. Criteria: Invitae Variant Classification Sherloc (09022015). Collection method: clinical testing. Allele origin: germline.

GeneDx
Classification: Benign. Last evaluated: 2021-03-09. Review status: criteria provided, single submitter. Criteria: GeneDx Variant Classification Process June 2021. Collection method: clinical testing. Allele origin: germline. Affected: yes.

Blueprint Genetics
Classification: Likely benign. Last evaluated: 2018-11-27. Review status: criteria provided, single submitter. Criteria: ACMG Guidelines, 2015. Collection method: clinical testing. Allele origin: germline.

Eurofins Ntd Llc (ga)
Classification: Likely benign. Last evaluated: 2015-10-02. Review status: criteria provided, single submitter. Criteria: EGL Classification Definitions 2015. Collection method: clinical testing. Allele origin: germline. Observed: 1 variant allele, 1 heterozygote.

PreventionGenetics, part of Exact Sciences
Classification: Likely benign for NOTCH2-related condition. Last evaluated: 2022-02-16. Review status: no assertion criteria provided. Collection method: clinical testing. Allele origin: germline. Not counted in ClinVar's aggregate classification.
Comment: This variant is classified as likely benign based on ACMG/AMP sequence variant interpretation guidelines (Richards et al. 2015 PMID: 25741868, with internal and published modifications).

NM_024408.4(NOTCH2):c.1541A>G (p.Asn514Ser)

Gene: NOTCH2 (notch receptor 2; minus strand). Cytogenetic location: 1p12.
Variant type: single nucleotide variant.
Coding change: c.1541A>G on transcript NM_024408.4 (MANE Select); coding-DNA position 1541, A replaced by G.
Protein change: p.Asn514Ser; replaces asparagine 514 with serine.
Molecular consequence: missense variant.
Genome position (GRCh38, 1-based): chr1:119,966,402, T>C on the plus strand (A>G on the coding strand, the complement: NOTCH2 is on the minus strand). VCF-style: chr1-119966402-T-C. GRCh37 (hg19) VCF-style: chr1-120509025-T-C.
Other names: c.1541A>G, p.Asn514Ser (NM_001200001.2); short protein forms N514S.
Identifiers: ClinVar variation 283610 (VCV000283610.15), dbSNP rs34308573, ClinGen allele CA1040532.